The following is an entry in ClinVar:

NM_004453.4(ETFDH):c.1781T>C (p.Ile594Thr)

Gene: ETFDH (electron transfer flavoprotein dehydrogenase; plus strand). Cytogenetic location: 4q32.1.
Variant type: single nucleotide variant.
Coding change: c.1781T>C on transcript NM_004453.4 (MANE Select); coding-DNA position 1781, T replaced by C.
Protein change: p.Ile594Thr; replaces isoleucine 594 with threonine.
Molecular consequence: missense variant.
Genome position (GRCh38, 1-based): chr4:158,708,454, T>C. VCF-style: chr4-158708454-T-C. GRCh37 (hg19) VCF-style: chr4-159629606-T-C.
Other names: c.1640T>C, p.Ile547Thr (NM_001281737.2); c.1598T>C, p.Ile533Thr (NM_001281738.1); c.1781T>C (NM_004453.2); short protein forms I547T, I533T, I594T.
Identifiers: ClinVar variation 2799339 (VCV002799339.4), dbSNP rs770051042, ClinGen allele CA3122723.

ClinVar aggregate classification (germline): Conflicting classifications of pathogenicity. Review status: criteria provided, conflicting classifications (1 of 4 stars). 2 submissions from 2 submitters: Likely pathogenic (1); Uncertain significance (1). Last evaluated 2026-03-20.

Conditions:
Multiple acyl-CoA dehydrogenase deficiency (MADD). Also called: Glutaric Acidemia type 2; ETHYLMALONIC-ADIPICACIDURIA; GA II; Glutaric aciduria, type 2; Glutaric acidemia type II; GA 2. Identifiers: Orphanet 26791, MedGen C0268596, MONDO:0009282, OMIM 231680.

Allele frequency attached by ClinVar (database versions not stated): gnomAD exomes below 0.00001; ExAC 0.00001.
gnomAD v4.1: 3 of 1,612,412 alleles (0.00019%); highest among the groups gnomAD compares: Admixed American, 0.0017%; no homozygotes.

Submissions (2):

GeneDx
Classification: Uncertain significance. Last evaluated: 2026-03-20. Review status: criteria provided, single submitter. Criteria: GeneDx Variant Classification Process June 2021. Collection method: clinical testing. Allele origin: germline.
Comment: Not observed at significant frequency in large population cohorts (gnomAD); In silico analysis supports that this missense variant has a deleterious effect on protein structure/function; This variant is associated with the following publications: (PMID: Liu2022[Article])

Labcorp Genetics (formerly Invitae), Labcorp
Classification: Likely pathogenic for Multiple acyl-CoA dehydrogenase deficiency. Last evaluated: 2024-09-23. Review status: criteria provided, single submitter. Criteria: Invitae Variant Classification Sherloc (09022015). Collection method: clinical testing. Allele origin: germline.
Comment: This sequence change replaces isoleucine, which is neutral and non-polar, with threonine, which is neutral and polar, at codon 594 of the ETFDH protein (p.Ile594Thr). This variant is present in population databases (rs770051042, gnomAD 0.003%). This missense change has been observed in individual(s) with multiple Acyl-CoA dehydrogenase deficiency (internal data). In at least one individual the data is consistent with being in trans (on the opposite chromosome) from a pathogenic variant. It has also been observed to segregate with disease in related individuals. Invitae Evidence Modeling of protein sequence and biophysical properties (such as structural, functional, and spatial information, amino acid conservation, physicochemical variation, residue mobility, and thermodynamic stability) indicates that this missense variant is expected to disrupt ETFDH protein function with a positive predictive value of 80%. In summary, the currently available evidence indicates that the variant is pathogenic, but additional data are needed to prove that conclusively. Therefore, this variant has been classified as Likely Pathogenic.